The following is an entry in ClinVar:

NM_024700.4(SNIP1):c.1118C>T (p.Ser373Leu)

Gene: SNIP1 (Smad nuclear interacting protein 1; minus strand). Cytogenetic location: 1p34.3.
Variant type: single nucleotide variant.
Coding change: c.1118C>T on transcript NM_024700.4 (MANE Select); coding-DNA position 1118, C replaced by T.
Protein change: p.Ser373Leu; replaces serine 373 with leucine.
Molecular consequence: missense variant.
Genome position (GRCh38, 1-based): chr1:37,537,821, G>A on the plus strand (C>T on the coding strand, the complement: SNIP1 is on the minus strand). VCF-style: chr1-37537821-G-A. GRCh37 (hg19) VCF-style: chr1-38003422-G-A.
Other names: short protein forms S373L.
Identifiers: ClinVar variation 2075106 (VCV002075106.5), dbSNP rs61755314, ClinGen allele CA771217.

ClinVar aggregate classification (germline): Uncertain significance. Review status: criteria provided, multiple submitters, no conflicts (2 of 4 stars). 2 submissions from 2 submitters: Uncertain significance (2). Last evaluated 2025-08-09.

Allele frequency attached by ClinVar (database versions not stated): TOPMed 0.00011; gnomAD 0.00012; ESP Exome Variant Server 0.00015; ExAC 0.00022.
gnomAD v4.1: 294 of 1,614,122 alleles (0.018%); highest among the groups gnomAD compares: Non-Finnish European, 0.023%; no homozygotes.

Submissions (2):

Ambry Genetics
Classification: Uncertain significance. Last evaluated: 2025-08-09. Review status: criteria provided, single submitter. Criteria: Ambry Variant Classification Scheme 2023. Collection method: clinical testing. Allele origin: germline.

Labcorp Genetics (formerly Invitae), Labcorp
Classification: Uncertain significance. Last evaluated: 2024-04-13. Review status: criteria provided, single submitter. Criteria: Invitae Variant Classification Sherloc (09022015). Collection method: clinical testing. Allele origin: germline.
Comment: This sequence change replaces serine, which is neutral and polar, with leucine, which is neutral and non-polar, at codon 373 of the SNIP1 protein (p.Ser373Leu). This variant is present in population databases (rs61755314, gnomAD 0.03%). This variant has not been reported in the literature in individuals affected with SNIP1-related conditions. ClinVar contains an entry for this variant (Variation ID: 2075106). Advanced modeling of protein sequence and biophysical properties (such as structural, functional, and spatial information, amino acid conservation, physicochemical variation, residue mobility, and thermodynamic stability) performed at Invitae indicates that this missense variant is expected to disrupt SNIP1 protein function with a positive predictive value of 80%. In summary, the available evidence is currently insufficient to determine the role of this variant in disease. Therefore, it has been classified as a Variant of Uncertain Significance.